The following is an entry in ClinVar:

ClinVar aggregate classification (germline): Likely benign. Review status: reviewed by expert panel (3 of 4 stars). 4 submissions from 4 submitters: Likely benign (1). 3 of the submissions do not count toward it. Last evaluated 2017-06-29.

Conditions:
Hereditary breast ovarian cancer syndrome. Also called: Hereditary breast and ovarian cancer syndrome; Hereditary breast and ovarian cancer syndrome (HBOC); BRCA1- and BRCA2-Associated Hereditary Breast and Ovarian Cancer; Breast and ovarian cancer; Hereditary breast and ovarian cancer; Hereditary breast and/or ovarian cancer syndrome. Identifiers: Orphanet 145, MedGen C0677776, MeSH D061325, MONDO:0003582. Disease mechanism: loss of function.
Hereditary cancer-predisposing syndrome. Also called: Hereditary Cancer Syndrome; Hereditary neoplastic syndrome; Tumor predisposition; Neoplastic Syndromes, Hereditary. Identifiers: Orphanet 140162, MedGen C0027672, MeSH D009386, MONDO:0015356.
Breast-ovarian cancer, familial, susceptibility to, 1 (BROVCA1). Also called: OVARIAN CANCER, SUSCEPTIBILITY TO; BRCA1 Hereditary Breast and Ovarian Cancer. Identifiers: Orphanet 145, MedGen C2676676, MONDO:0011450, OMIM 604370. Disease mechanism: loss of function.

Allele frequency attached by ClinVar (database versions not stated): gnomAD exomes below 0.00001.
gnomAD v4.1: 6 of 1,613,642 alleles (0.00037%); highest among the groups gnomAD compares: Non-Finnish European, 0.00051%; no homozygotes.

Submissions (4):

Evidence-based Network for the Interpretation of Germline Mutant Alleles (ENIGMA)
Classification: Likely benign for Breast-ovarian cancer, familial, susceptibility to, 1. Last evaluated: 2017-06-29. Review status: reviewed by expert panel. Criteria: ENIGMA BRCA1/2 Classification Criteria (2017-06-29). Collection method: curation. Allele origin: germline.
Comment: Synonymous substitution variant, with low bioinformatic likelihood to result in a splicing aberration (Splicing prior probability 0.02).

Labcorp Genetics (formerly Invitae), Labcorp
Classification: Likely benign for Hereditary breast ovarian cancer syndrome. Last evaluated: 2020-03-26. Review status: criteria provided, single submitter. Criteria: Invitae Variant Classification Sherloc (09022015). Collection method: clinical testing. Allele origin: germline. Not counted in ClinVar's aggregate classification.

Ambry Genetics
Classification: Likely benign for Hereditary cancer-predisposing syndrome. Last evaluated: 2018-12-12. Review status: criteria provided, single submitter. Criteria: Ambry Variant Classification Scheme 2023. Collection method: clinical testing. Allele origin: germline. Not counted in ClinVar's aggregate classification.

GeneDx
Classification: Likely benign. Last evaluated: 2015-09-25. Review status: criteria provided, single submitter. Criteria: GeneDx Variant Classification (06012015). Collection method: clinical testing. Allele origin: germline. Affected: yes. Not counted in ClinVar's aggregate classification.
Comment: This variant is considered likely benign or benign based on one or more of the following criteria: it is a conservative change, it occurs at a poorly conserved position in the protein, it is predicted to be benign by multiple in silico algorithms, and/or has population frequency not consistent with disease.

NM_007294.4(BRCA1):c.4071A>G (p.Glu1357=)

Genes: BRCA1 (BRCA1 DNA repair associated; minus strand), LOC126862571 (BRD4-independent group 4 enhancer GRCh37_chr17:41243136-41244335; plus strand). Cytogenetic location: 17q21.31.
Variant type: single nucleotide variant.
Coding change: c.4071A>G on transcript NM_007294.4 (MANE Select); coding-DNA position 4071, A replaced by G.
Protein change: p.Glu1357=; no amino-acid change (glutamic acid 1357 retained).
Molecular consequence: synonymous variant. On other transcripts: intron variant (135).
Genome position (GRCh38, 1-based): chr17:43,091,460, T>C on the plus strand (A>G on the coding strand, the complement: BRCA1 is on the minus strand). VCF-style: chr17-43091460-T-C. GRCh37 (hg19) VCF-style: chr17-41243477-T-C.
Other names: c.662-428A>G (NM_001408433.1, NM_001408446.1, NM_001408435.1 and 6 more transcripts); c.785-428A>G (NM_001408400.1, NM_001408392.1, NM_001407986.1 and 13 more transcripts); c.665-428A>G (NM_001408441.1, NM_001408437.1, NM_001408429.1 and 12 more transcripts); c.788-428A>G (NM_001407979.1, NM_001407977.1, NM_001407982.1 and 17 more transcripts); c.647-428A>G (NM_001408410.1, NM_001408458.1, NM_001408469.1 and 11 more transcripts); c.710-428A>G (NM_001408415.1, NM_001408412.1, NM_001408409.1 and 2 more transcripts); c.578-428A>G (NM_001408483.1, NM_001408481.1, NM_001408480.1 and 9 more transcripts); c.3858A>G, p.Glu1286= (NM_001407571.1, NM_001407853.1, NM_001407894.1 and 9 more transcripts); and 41 more.
Identifiers: ClinVar variation 184458 (VCV000184458.17), dbSNP rs786201475, ClinGen allele CA002600.